The following is an entry in ClinVar:

ClinVar aggregate classification (germline): Conflicting classifications of pathogenicity. Review status: criteria provided, conflicting classifications (1 of 4 stars). 2 submissions from 2 submitters: Uncertain significance (1); Likely benign (1). Last evaluated 2025-03-25.

Allele frequency attached by ClinVar (database versions not stated): ExAC 0.00001.

Submissions (2):

Labcorp Genetics (formerly Invitae), Labcorp
Classification: Uncertain significance. Last evaluated: 2025-03-25. Review status: criteria provided, single submitter. Criteria: Invitae Variant Classification Sherloc (09022015). Collection method: clinical testing. Allele origin: germline.
Comment: This sequence change replaces serine, which is neutral and polar, with proline, which is neutral and non-polar, at codon 492 of the NPAT protein (p.Ser492Pro). This variant is present in population databases (rs761350756, gnomAD 0.002%). This variant has not been reported in the literature in individuals affected with NPAT-related conditions. ClinVar contains an entry for this variant (Variation ID: 2496662). An algorithm developed to predict the effect of missense changes on protein structure and function outputs the following: PolyPhen-2: "Benign". The proline amino acid residue is found in multiple mammalian species, which suggests that this missense change does not adversely affect protein function. In summary, the available evidence is currently insufficient to determine the role of this variant in disease. Therefore, it has been classified as a Variant of Uncertain Significance.

Ambry Genetics
Classification: Likely benign. Last evaluated: 2025-01-22. Review status: criteria provided, single submitter. Criteria: Ambry Variant Classification Scheme 2023. Collection method: clinical testing. Allele origin: germline.

NM_002519.3(NPAT):c.1474T>C (p.Ser492Pro)

Gene: NPAT (nuclear protein, coactivator of histone transcription; minus strand). Cytogenetic location: 11q22.3.
Variant type: single nucleotide variant.
Coding change: c.1474T>C on transcript NM_002519.3 (MANE Select); coding-DNA position 1474, T replaced by C.
Protein change: p.Ser492Pro; replaces serine 492 with proline.
Molecular consequence: missense variant.
Genome position (GRCh38, 1-based): chr11:108,173,510, A>G on the plus strand (T>C on the coding strand, the complement: NPAT is on the minus strand). VCF-style: chr11-108173510-A-G. GRCh37 (hg19) VCF-style: chr11-108044237-A-G.
Other names: c.1474T>C, p.Ser492Pro (NM_001321307.1); short protein forms S492P.
Identifiers: ClinVar variation 2496662 (VCV002496662.4), dbSNP rs761350756, ClinGen allele CA6263989.